The following is an entry in ClinVar:

NM_000116.5(TAFAZZIN):c.584-7del

Gene: TAFAZZIN (tafazzin, phospholipid-lysophospholipid transacylase; plus strand). Cytogenetic location: Xq28.
Variant type: Deletion.
Coding change: c.584-7del on transcript NM_000116.5 (MANE Select); 7 bases into the intron before coding-DNA position 584, one base deleted (T; older notation c.584-7delT).
Molecular consequence: intron variant.
Genome position (GRCh38, 1-based): chrX:154,420,025, T deleted. VCF-style (leftmost placement, unchanged base first): chrX-154420024-CT-C. GRCh37 (hg19) VCF-style: chrX-153648363-CT-C.
Other names: c.596-7del (NM_001303465.2); c.542-7del (NM_181312.4); c.494-7del (NM_181311.4); c.452-7del (NM_181313.4); c.584-7del (NM_000116.4); c.584-7delT (NM_000116.5).
Identifiers: ClinVar variation 221026 (VCV000221026.32), dbSNP rs782192927, ClinGen allele CA350799.

ClinVar aggregate classification (germline): Likely benign. Review status: criteria provided, multiple submitters, no conflicts (2 of 4 stars). 5 submissions from 5 submitters: Likely benign (5). Last evaluated 2026-02-04.

Conditions:
TAFAZZIN-related disorder. Also called: TAFAZZIN-Related Disorders; TAFAZZIN-related condition.
3-Methylglutaconic aciduria type 2 (BTHS). Also called: Barth syndrome; CARDIOSKELETAL MYOPATHY WITH NEUTROPENIA AND ABNORMAL MITOCHONDRIA. Identifiers: Orphanet 111, MedGen C0574083, MONDO:0010543, OMIM 302060.

Allele frequency attached by ClinVar (database versions not stated): TOPMed 0.00015; gnomAD 0.00019 and 0.00014; gnomAD exomes 0.00002 and 0.00004; ExAC 0.00003.

Submissions (5):

Labcorp Genetics (formerly Invitae), Labcorp
Classification: Likely benign for 3-Methylglutaconic aciduria type 2. Last evaluated: 2026-02-04. Review status: criteria provided, single submitter. Criteria: Invitae Variant Classification Sherloc (09022015). Collection method: clinical testing. Allele origin: germline.

PreventionGenetics, part of Exact Sciences
Classification: Likely benign for TAFAZZIN-related condition. Last evaluated: 2026-01-03. Review status: criteria provided, single submitter. Criteria: ACMG Guidelines, 2015. Collection method: clinical testing. Allele origin: germline.
Comment: This variant is classified as likely benign based on ACMG/AMP sequence variant interpretation guidelines (Richards et al. 2015 PMID: 25741868, with internal and published modifications).

Women's Health and Genetics/Laboratory Corporation of America, LabCorp
Classification: Likely benign. Last evaluated: 2025-04-07. Review status: criteria provided, single submitter. Criteria: LabCorp Variant Classification Summary - May 2015. Collection method: clinical testing. Allele origin: germline.
Comment: Variant summary: TAFAZZIN c.584-7delT alters a non-conserved nucleotide located close to a canonical splice site and therefore could affect mRNA splicing, leading to a significantly altered protein sequence. Consensus agreement among computation tools predict no significant impact on normal splicing. However, these predictions have yet to be confirmed by functional studies. The variant allele was found at a frequency of 3.2e-05 in 1210172 control chromosomes, predominantly at a frequency of 0.00054 within the African or African-American subpopulation in the gnomAD database, including 13 hemizygotes. c.584-7delT has been reported in the literature in a cohort of individuals affected with Left Ventricular Noncompaction (Richard_2019). This report however, does not provide unequivocal conclusions about association of the variant with Barth Syndrome. To our knowledge, no experimental evidence demonstrating an impact on protein function has been reported. The following publication has been ascertained in the context of this evaluation (PMID: 30471092). ClinVar contains an entry for this variant (Variation ID: 221026). Based on the evidence outlined above, the variant was classified as likely benign.

CeGaT Center for Human Genetics Tuebingen
Classification: Likely benign. Last evaluated: 2024-08-01. Review status: criteria provided, single submitter. Criteria: CeGaT Center For Human Genetics Tuebingen Variant Classification Criteria Version 2. Collection method: clinical testing. Allele origin: germline. Affected: yes. Observed: 1 variant allele.
Comment: TAFAZZIN: BP4, BS2

GeneDx
Classification: Likely benign. Last evaluated: 2021-06-18. Review status: criteria provided, single submitter. Criteria: GeneDx Variant Classification Process June 2021. Collection method: clinical testing. Allele origin: germline. Affected: yes.

Literature cited by the submitters: PubMed 30471092 (cited by Women's Health and Genetics/Laboratory Corporation of America, LabCorp).